The following is an entry in ClinVar:

ClinVar aggregate classification (germline): Uncertain significance. Review status: criteria provided, multiple submitters, no conflicts (2 of 4 stars). 3 submissions from 3 submitters: Uncertain significance (3). Last evaluated 2024-09-13.

Conditions:
Hereditary cancer-predisposing syndrome. Also called: Hereditary neoplastic syndrome; Neoplastic Syndromes, Hereditary; Tumor predisposition; Hereditary Cancer Syndrome. Identifiers: Orphanet 140162, MedGen C0027672, MeSH D009386, MONDO:0015356.
Cardiovascular phenotype. Identifiers: MedGen CN230736.

Submissions (3):

Blueprint Genetics
Classification: Uncertain significance. Last evaluated: 2024-09-13. Review status: criteria provided, single submitter. Criteria: ACMG Guidelines, 2015. Collection method: clinical testing. Allele origin: germline.

Ambry Genetics
Classification: Uncertain significance for Cardiovascular phenotype; Hereditary cancer-predisposing syndrome. Last evaluated: 2022-02-07. Review status: criteria provided, single submitter. Criteria: Ambry Variant Classification Scheme 2023. Collection method: clinical testing. Allele origin: germline.
Comment: The p.W203R variant (also known as c.607T>C), located in coding exon 7 of the LZTR1 gene, results from a T to C substitution at nucleotide position 607. The tryptophan at codon 203 is replaced by arginine, an amino acid with dissimilar properties. This amino acid position is conserved. In addition, this alteration is predicted to be deleterious by in silico analysis. Since supporting evidence is limited at this time, the clinical significance of this alteration remains unclear.

Labcorp Genetics (formerly Invitae), Labcorp
Classification: Uncertain significance. Last evaluated: 2020-02-04. Review status: criteria provided, single submitter. Criteria: Invitae Variant Classification Sherloc (09022015). Collection method: clinical testing. Allele origin: germline.
Comment: In summary, the available evidence is currently insufficient to determine the role of this variant in disease. Therefore, it has been classified as a Variant of Uncertain Significance. Algorithms developed to predict the effect of missense changes on protein structure and function are either unavailable or do not agree on the potential impact of this missense change (SIFT: "Deleterious"; PolyPhen-2: "Probably Damaging"; Align-GVGD: "Class C0"). This variant has not been reported in the literature in individuals with LZTR1-related conditions. This variant is not present in population databases (ExAC no frequency). This sequence change replaces tryptophan with arginine at codon 203 of the LZTR1 protein (p.Trp203Arg). The tryptophan residue is highly conserved and there is a moderate physicochemical difference between tryptophan and arginine.

NM_006767.4(LZTR1):c.607T>C (p.Trp203Arg)

Gene: LZTR1 (leucine zipper like post translational regulator 1; plus strand). Cytogenetic location: 22q11.21.
Variant type: single nucleotide variant.
Coding change: c.607T>C on transcript NM_006767.4 (MANE Select); coding-DNA position 607, T replaced by C.
Protein change: p.Trp203Arg; replaces tryptophan 203 with arginine.
Molecular consequence: missense variant.
Genome position (GRCh38, 1-based): chr22:20,989,638, T>C. VCF-style: chr22-20989638-T-C. GRCh37 (hg19) VCF-style: chr22-21343927-T-C.
Other names: short protein forms W203R.
Identifiers: ClinVar variation 1037481 (VCV001037481.12), dbSNP rs1924522828, ClinGen allele CA410780301.